The following is an entry in ClinVar:

NM_001003722.2(GLE1):c.1092dup (p.Ala365fs)

Gene: GLE1 (GLE1 RNA export mediator; plus strand). Cytogenetic location: 9q34.11.
Variant type: Duplication.
Coding change: c.1092dup on transcript NM_001003722.2 (MANE Select); coding-DNA position 1092, one base duplicated (A; older notation c.1092dupA).
Protein change: p.Ala365fs; shifts the reading frame from alanine 365.
Molecular consequence: frameshift variant.
Genome position (GRCh38, 1-based): chr9:128,525,386, A duplicated. VCF-style (leftmost placement, unchanged base first): chr9-128525385-C-CA. GRCh37 (hg19) VCF-style: chr9-131287664-C-CA.
Other names: c.1092dup, p.Ala365fs (NM_001499.2); short protein forms A365fs.
Identifiers: ClinVar variation 1455968 (VCV001455968.8), dbSNP rs2132465911, ClinGen allele CA2573144024.
Genomic context (GRCh38, chr9:128,525,385, plus strand): 5'-CCCAGGTAAAGCTGCAAGAGGCACAGATGCAGCAGGGACCAGAGGCCCACAAAGAGCCCC[C>CA]AGCTCCCAGCCAGGGCCCAGGAGGGAAACAGAATGAAGGTGGGTTTCAGTATGGATGTGG-3'

ClinVar aggregate classification (germline): Pathogenic/Likely pathogenic. Review status: criteria provided, multiple submitters, no conflicts (2 of 4 stars). 2 submissions from 2 submitters: Pathogenic (1); Likely pathogenic (1). Last evaluated 2025-05-27.

Submissions (2):

Dasa
Classification: Likely pathogenic. Last evaluated: 2025-05-27. Review status: criteria provided, single submitter. Criteria: DASA Assertion Criteria. Collection method: clinical testing. Allele origin: germline.
Comment: NM_001003722.2(GLE1):c.1092dup (p.Ala365Serfs*12) is a frameshift variant in GLE1 predicted to alter the reading frame and introduce a premature termination codon and is predicted to result in an absent or altered protein product. Loss of function is an established disease mechanism for GLE1-associated disorders. Also, this variant is absent from population databases. Based on the currently available evidence, this variant is classified as likely pathogenic.

Labcorp Genetics (formerly Invitae), Labcorp
Classification: Pathogenic. Last evaluated: 2023-12-05. Review status: criteria provided, single submitter. Criteria: Invitae Variant Classification Sherloc (09022015). Collection method: clinical testing. Allele origin: germline.
Comment: This sequence change creates a premature translational stop signal (p.Ala365Serfs*12) in the GLE1 gene. It is expected to result in an absent or disrupted protein product. Loss-of-function variants in GLE1 are known to be pathogenic (PMID: 18204449, 24243016, 27684565). This variant is not present in population databases (gnomAD no frequency). This variant has not been reported in the literature in individuals affected with GLE1-related conditions. ClinVar contains an entry for this variant (Variation ID: 1455968). Algorithms developed to predict the effect of sequence changes on RNA splicing suggest that this variant may disrupt the consensus splice site. For these reasons, this variant has been classified as Pathogenic.

Literature cited by the submitters: PubMed 18204449 (cited by Labcorp Genetics (formerly Invitae), Labcorp); PubMed 24243016 (cited by Labcorp Genetics (formerly Invitae), Labcorp); PubMed 27684565 (cited by Labcorp Genetics (formerly Invitae), Labcorp).